The following is an entry in ClinVar:

NM_001127208.3(TET2):c.1297G>C (p.Glu433Gln)

Genes: TET2 (tet methylcytosine dioxygenase 2; plus strand), TET2-AS1 (TET2 antisense RNA 1; minus strand). Cytogenetic location: 4q24.
Variant type: single nucleotide variant.
Coding change: c.1297G>C on transcript NM_001127208.3 (MANE Select); coding-DNA position 1297, G replaced by C.
Protein change: p.Glu433Gln; replaces glutamic acid 433 with glutamine.
Molecular consequence: missense variant.
Genome position (GRCh38, 1-based): chr4:105,235,239, G>C. VCF-style: chr4-105235239-G-C. GRCh37 (hg19) VCF-style: chr4-106156396-G-C.
Other names: c.1297G>C, p.Glu433Gln (NM_017628.4); short protein forms E433Q.
Identifiers: ClinVar variation 4865532 (VCV004865532.1).

ClinVar aggregate classification (germline): Uncertain significance (1 of 4 stars; one submission).

Submission:

Ambry Genetics
Classification: Uncertain significance. Last evaluated: 2026-04-12. Review status: criteria provided, single submitter. Criteria: Ambry Variant Classification Scheme 2023. Collection method: clinical testing. Allele origin: germline.
Comment: The p.E433Q variant (also known as c.1297G>C), located in coding exon 1 of the TET2 gene, results from a G to C substitution at nucleotide position 1297. The glutamic acid at codon 433 is replaced by glutamine, an amino acid with highly similar properties. This amino acid position is conserved. In addition, this alteration is predicted to be tolerated by in silico analysis. Based on the available evidence, the clinical significance of this variant remains unclear.